The following is an entry in ClinVar:

NM_152743.4(BRAT1):c.1130C>T (p.Pro377Leu)

Gene: BRAT1 (BRCA1 associated ATM activator 1; minus strand). Cytogenetic location: 7p22.3.
Variant type: single nucleotide variant.
Coding change: c.1130C>T on transcript NM_152743.4 (MANE Select); coding-DNA position 1130, C replaced by T.
Protein change: p.Pro377Leu; replaces proline 377 with leucine.
Molecular consequence: missense variant. On other transcripts: non-coding transcript variant (1).
Genome position (GRCh38, 1-based): chr7:2,541,722, G>A on the plus strand (C>T on the coding strand, the complement: BRAT1 is on the minus strand). VCF-style: chr7-2541722-G-A. GRCh37 (hg19) VCF-style: chr7-2581356-G-A.
Other names: c.1130C>T, p.Pro377Leu (NM_001350626.2); c.605C>T, p.Pro202Leu (NM_001350627.2); short protein forms P202L, P377L.
Identifiers: ClinVar variation 972004 (VCV000972004.6), dbSNP rs746357232, ClinGen allele CA4127929.

ClinVar aggregate classification (germline): Uncertain significance. Review status: criteria provided, multiple submitters, no conflicts (2 of 4 stars). 2 submissions from 2 submitters: Uncertain significance (2). Last evaluated 2025-08-05.

Conditions:
Neonatal-onset encephalopathy with rigidity and seizures. Also called: Lethal neonatal spasticity-epileptic encephalopathy syndrome. Identifiers: Orphanet 435845, MedGen C3281029, MONDO:0013784, OMIM 614498.
Inborn genetic diseases. Identifiers: MedGen C0950123, MeSH D030342.

Allele frequency attached by ClinVar (database versions not stated): TOPMed 0.00012.

Submissions (2):

Ambry Genetics
Classification: Uncertain significance for Inborn genetic diseases. Last evaluated: 2025-08-05. Review status: criteria provided, single submitter. Criteria: Ambry Variant Classification Scheme 2023. Collection method: clinical testing. Allele origin: germline.

Labcorp Genetics (formerly Invitae), Labcorp
Classification: Uncertain significance for Neonatal-onset encephalopathy with rigidity and seizures. Last evaluated: 2022-08-16. Review status: criteria provided, single submitter. Criteria: Invitae Variant Classification Sherloc (09022015). Collection method: clinical testing. Allele origin: germline.
Comment: This sequence change replaces proline, which is neutral and non-polar, with leucine, which is neutral and non-polar, at codon 377 of the BRAT1 protein (p.Pro377Leu). This variant is present in population databases (rs746357232, gnomAD 0.01%). This variant has not been reported in the literature in individuals affected with BRAT1-related conditions. ClinVar contains an entry for this variant (Variation ID: 972004). Algorithms developed to predict the effect of missense changes on protein structure and function output the following: SIFT: "Tolerated"; PolyPhen-2: "Benign"; Align-GVGD: "Class C0". The leucine amino acid residue is found in multiple mammalian species, which suggests that this missense change does not adversely affect protein function. In summary, the available evidence is currently insufficient to determine the role of this variant in disease. Therefore, it has been classified as a Variant of Uncertain Significance.